The following is an entry in ClinVar:

ClinVar aggregate classification (germline): Uncertain significance. Review status: criteria provided, multiple submitters, no conflicts (2 of 4 stars). 2 submissions from 2 submitters: Uncertain significance (2). Last evaluated 2022-12-07.

Submissions (2):

Blueprint Genetics
Classification: Uncertain significance. Last evaluated: 2022-12-07. Review status: criteria provided, single submitter. Criteria: ACMG Guidelines, 2015. Collection method: clinical testing. Allele origin: germline.

GeneDx
Classification: Uncertain significance. Last evaluated: 2019-09-09. Review status: criteria provided, single submitter. Criteria: GeneDx Variant Classification Process June 2021. Collection method: clinical testing. Allele origin: germline. Affected: yes.
Comment: Has not been previously published as pathogenic or benign to our knowledge; Frameshift variant predicted to result in protein truncation or nonsense mediated decay in a gene for which loss-of-function is not a known mechanism of disease; Not observed at a significant frequency in large population cohorts (Lek et al., 2016)

NM_001846.4(COL4A2):c.389del (p.Gly130fs)

Gene: COL4A2 (collagen type IV alpha 2 chain; plus strand). Cytogenetic location: 13q34.
Variant type: Deletion.
Coding change: c.389del on transcript NM_001846.4 (MANE Select); coding-DNA position 389, one base deleted (G; older notation c.389delG).
Protein change: p.Gly130fs; shifts the reading frame from glycine 130.
Molecular consequence: frameshift variant.
Genome position (GRCh38, 1-based): chr13:110,428,495, G deleted; the last of 4 consecutive G bases (chr13:110,428,492-110,428,495); deleting any one gives the same sequence. VCF-style (leftmost placement, unchanged base first): chr13-110428491-AG-A. GRCh37 (hg19) VCF-style: chr13-111080838-AG-A.
Other names: short protein forms G130fs.
Identifiers: ClinVar variation 1315802 (VCV001315802.3), dbSNP rs758180751, ClinGen allele CA7048876.